The following is an entry in ClinVar:

ClinVar aggregate classification (germline): Pathogenic (1 of 4 stars; one submission).

Conditions:
Parkinsonian-pyramidal syndrome. Also called: PALLIDOPYRAMIDAL SYNDROME; PARKINSON DISEASE 15, AUTOSOMAL RECESSIVE; PARKINSON DISEASE 15, AUTOSOMAL RECESSIVE EARLY-ONSET. Identifiers: Orphanet 171695, MedGen C1850100, MONDO:0009830, OMIM 260300.

Submission:

Labcorp Genetics (formerly Invitae), Labcorp
Classification: Pathogenic for Parkinsonian-pyramidal syndrome. Last evaluated: 2022-09-23. Review status: criteria provided, single submitter. Criteria: Invitae Variant Classification Sherloc (09022015). Collection method: clinical testing. Allele origin: germline.
Comment: This variant is not present in population databases (gnomAD no frequency). For these reasons, this variant has been classified as Pathogenic. Algorithms developed to predict the effect of sequence changes on RNA splicing suggest that this variant may disrupt the consensus splice site. This variant has not been reported in the literature in individuals affected with FBXO7-related conditions. This sequence change creates a premature translational stop signal (p.Ser174*) in the FBXO7 gene. It is expected to result in an absent or disrupted protein product. Loss-of-function variants in FBXO7 are known to be pathogenic (PMID: 21347293).

Literature cited by the submitters: PubMed 21347293.

NM_012179.4(FBXO7):c.521C>A (p.Ser174Ter)

Gene: FBXO7 (F-box protein 7; plus strand). Cytogenetic location: 22q12.3.
Variant type: single nucleotide variant.
Coding change: c.521C>A on transcript NM_012179.4 (MANE Select); coding-DNA position 521, C replaced by A.
Protein change: p.Ser174Ter; replaces serine 174 with a stop codon.
Molecular consequence: nonsense.
Genome position (GRCh38, 1-based): chr22:32,484,000, C>A. VCF-style: chr22-32484000-C-A. GRCh37 (hg19) VCF-style: chr22-32879987-C-A.
Other names: c.284C>A, p.Ser95Ter (NM_001033024.2); c.179C>A, p.Ser60Ter (NM_001257990.2); short protein forms S174*, S95*, S60*.
Identifiers: ClinVar variation 2032126 (VCV002032126.4), dbSNP rs376455464, ClinGen allele CA411331708.
Genomic context (GRCh38, chr22:32,484,000, plus strand): 5'-ATGCGCATATGGCAGAGGGCACAGGTTTCTATCCCTCAGAACCCATGCTCTGTAGTGAAT[C>A]GGTGGAAGGGCAAGTGCCACATTCATTAGAGACCTTGTATCAATCAGCTGACTGTTCTGA-3'